The following is an entry in ClinVar:

NM_015202.5(KATNIP):c.3928C>T (p.Leu1310=)

Gene: KATNIP (katanin interacting protein; plus strand). Cytogenetic location: 16p12.1.
Variant type: single nucleotide variant.
Coding change: c.3928C>T on transcript NM_015202.5 (MANE Select); coding-DNA position 3928, C replaced by T.
Protein change: p.Leu1310=; no amino-acid change (leucine 1310 retained).
Molecular consequence: synonymous variant.
Genome position (GRCh38, 1-based): chr16:27,766,427, C>T. VCF-style: chr16-27766427-C-T. GRCh37 (hg19) VCF-style: chr16-27777748-C-T.
Identifiers: ClinVar variation 709921 (VCV000709921.11), dbSNP rs145858943, ClinGen allele CA7978428.
Genomic context (GRCh38, chr16:27,766,427, plus strand): 5'-TCGCCGGGGCTGGACCATGTGGTCACGATCCGCCTGGACAGGGCCGAAAGCATCGCAGGC[C>T]TGCGCTTCTGGAACTACAATAAATCTCCCGAGGACACCTATCGCGGGGTAAGCTGGGGAG-3'
Protein context (NP_056017.4, residues 1300-1320): RLDRAESIAG[Leu1310=]RFWNYNKSPE

ClinVar aggregate classification (germline): Benign/Likely benign. Review status: criteria provided, multiple submitters, no conflicts (2 of 4 stars). 3 submissions from 3 submitters: Benign (1); Likely benign (2). Last evaluated 2026-07-01.

Allele frequency attached by ClinVar (database versions not stated): gnomAD exomes 0.00011 and 0.00029; ExAC 0.00040; gnomAD 0.00110 and 0.00120; TOPMed 0.00128; 1000 Genomes Project 0.00160; ESP Exome Variant Server 0.00162; 1000 Genomes Project 30x 0.00187.
gnomAD v4.1: 331 of 1,614,054 alleles (0.021%); highest among the groups gnomAD compares: African/African-American, 0.42%; 2 homozygotes.

Submissions (3):

CeGaT Center for Human Genetics Tuebingen
Classification: Likely benign. Last evaluated: 2026-07-01. Review status: criteria provided, single submitter. Criteria: CeGaT Center For Human Genetics Tuebingen Variant Classification Criteria Version 2. Collection method: clinical testing. Allele origin: germline. Affected: yes. Observed: 1 variant allele.
Comment: KATNIP: BP4, BP7

Labcorp Genetics (formerly Invitae), Labcorp
Classification: Benign. Last evaluated: 2025-08-15. Review status: criteria provided, single submitter. Criteria: Invitae Variant Classification Sherloc (09022015). Collection method: clinical testing. Allele origin: germline.

Blueprint Genetics
Classification: Likely benign. Last evaluated: 2023-06-21. Review status: criteria provided, single submitter. Criteria: ACMG Guidelines, 2015. Collection method: clinical testing. Allele origin: germline.